The following is an entry in ClinVar:

ClinVar aggregate classification (germline): Uncertain significance. Review status: criteria provided, multiple submitters, no conflicts (2 of 4 stars). 2 submissions from 2 submitters: Uncertain significance (2). Last evaluated 2018-04-01.

Conditions:
Gastric adenocarcinoma and proximal polyposis of the stomach (GAPPS). Also called: POLYPOSIS, GASTRIC; Polyposis, gastric, Dos Santos and de Magalhaes 1980; Gastric Adenocarcinoma and Proximal Polyposis of the Stomach (GAPPS). Identifiers: Orphanet 314022, MedGen C4749917, MONDO:0017790, OMIM 619182.
Gastric cancer. Also called: Stomach cancer; Malignant tumor of stomach. Identifiers: MedGen C0024623, MeSH D013274, MONDO:0001056, OMIM 613659, HP:0012126.
Desmoid disease, hereditary (DESMD). Also called: FIBROMATOSIS, FAMILIAL INFILTRATIVE. Identifiers: Orphanet 873, MedGen C1851124, OMIM 135290. Disease mechanism: loss of function.
Hepatocellular carcinoma (HCC). Also called: Primary carcinoma of liver; HEPATOMA; LIVER CELL CARCINOMA. Identifiers: Orphanet 88673, MedGen C2239176, MONDO:0007256, OMIM 114550, HP:0001402.
Colorectal cancer. Also called: Malignant Colorectal Neoplasm; Colorectal cancer, somatic. Identifiers: MedGen C0346629, MONDO:0005575, OMIM 114500.
Familial adenomatous polyposis 1 (FAP1). Also called: FAMILIAL ADENOMATOUS POLYPOSIS 1, ATTENUATED; POLYPOSIS, ADENOMATOUS INTESTINAL. Identifiers: MedGen C2713442, MONDO:0021056, OMIM 175100. Disease mechanism: loss of function.

Submissions (2):

Labcorp Genetics (formerly Invitae), Labcorp
Classification: Uncertain significance for Familial adenomatous polyposis 1. Last evaluated: 2018-04-01. Review status: criteria provided, single submitter. Criteria: Invitae Variant Classification Sherloc (09022015). Collection method: clinical testing. Allele origin: germline.
Comment: This sequence change replaces serine with proline at codon 2146 of the APC protein (p.Ser2146Pro). The serine residue is highly conserved and there is a moderate physicochemical difference between serine and proline. This variant is not present in population databases (ExAC no frequency). This variant has not been reported in the literature in individuals with APC-related disease. Algorithms developed to predict the effect of missense changes on protein structure and function do not agree on the potential impact of this missense change (SIFT: "Deleterious"; PolyPhen-2: "Probably Damaging"; Align-GVGD: "Class C0"). In summary, the available evidence is currently insufficient to determine the role of this variant in disease. Therefore, it has been classified as a Variant of Uncertain Significance.

Juno Genomics, Hangzhou Juno Genomics, Inc
Classification: Uncertain significance for Familial adenomatous polyposis 1; Colorectal cancer; Desmoid disease, hereditary; Gastric adenocarcinoma and proximal polyposis of the stomach; Gastric cancer; Hepatocellular carcinoma. Review status: criteria provided, single submitter. Criteria: ACMG Guidelines, 2015. Collection method: clinical testing. Allele origin: germline.
Comment: Absent from controls (or at extremely low frequency if recessive) in Genome Aggregation Database.

NM_000038.6(APC):c.6436T>C (p.Ser2146Pro)

Gene: APC (APC regulator of Wnt signaling pathway; plus strand). Cytogenetic location: 5q22.2.
Variant type: single nucleotide variant.
Coding change: c.6436T>C on transcript NM_000038.6 (MANE Select); coding-DNA position 6436, T replaced by C.
Protein change: p.Ser2146Pro; replaces serine 2146 with proline.
Molecular consequence: missense variant.
Genome position (GRCh38, 1-based): chr5:112,842,030, T>C. VCF-style: chr5-112842030-T-C. GRCh37 (hg19) VCF-style: chr5-112177727-T-C.
Other names: c.6436T>C, p.Ser2146Pro (NM_001127510.3, NM_001354895.2); c.6382T>C, p.Ser2128Pro (NM_001127511.3); c.6490T>C, p.Ser2164Pro (NM_001354896.2); c.6466T>C, p.Ser2156Pro (NM_001354897.2); c.6361T>C, p.Ser2121Pro (NM_001354898.2); c.6352T>C, p.Ser2118Pro (NM_001354899.2); c.6313T>C, p.Ser2105Pro (NM_001354900.2); c.6259T>C, p.Ser2087Pro (NM_001354901.2); and 5 more; short protein forms S2146P, S2128P, S2020P, S2121P, S2164P, S1986P, S2087P, S2105P.
Identifiers: ClinVar variation 566345 (VCV000566345.12), dbSNP rs1561607236, ClinGen allele CA16035414.